The following is an entry in ClinVar:

ClinVar aggregate classification (germline): Likely pathogenic. Review status: criteria provided, multiple submitters, no conflicts (2 of 4 stars). 2 submissions from 2 submitters: Likely pathogenic (2). Last evaluated 2025-06-23.

Conditions:
SKIN/HAIR/EYE PIGMENTATION 1, BLUE/NONBLUE EYES (SHEP1). Also called: EYE COLOR 3; EYE COLOR, BLUE/NONBLUE; EYE COLOR, BROWN/BLUE; HAIR COLOR 3; SKIN/HAIR/EYE PIGMENTATION 1, BLOND/BROWN HAIR; SKIN/HAIR/EYE PIGMENTATION 1, BLUE/BROWN EYES. Identifiers: MedGen C1856895, OMIM 227220.

Allele frequency attached by ClinVar (database versions not stated): gnomAD 0.00001; TOPMed 0.00001.
gnomAD v4.1: 2 of 1,612,354 alleles (0.00012%); highest among the groups gnomAD compares: Admixed American, 0.0033%; no homozygotes.

Submissions (2):

Labcorp Genetics (formerly Invitae), Labcorp
Classification: Likely pathogenic. Last evaluated: 2025-06-23. Review status: criteria provided, single submitter. Criteria: Invitae Variant Classification Sherloc (09022015). Collection method: clinical testing. Allele origin: germline.
Comment: This sequence change affects an acceptor splice site in intron 21 of the OCA2 gene. It is expected to disrupt RNA splicing. Variants that disrupt the donor or acceptor splice site typically lead to a loss of protein function (PMID: 16199547), and loss-of-function variants in OCA2 are known to be pathogenic (PMID: 19865097, 21541274). This variant is not present in population databases (gnomAD no frequency). This variant has not been reported in the literature in individuals affected with OCA2-related conditions. ClinVar contains an entry for this variant (Variation ID: 1523144). Algorithms developed to predict the effect of sequence changes on RNA splicing suggest that this variant may disrupt the consensus splice site. In summary, the currently available evidence indicates that the variant is pathogenic, but additional data are needed to prove that conclusively. Therefore, this variant has been classified as Likely Pathogenic.

Baylor Genetics
Classification: Likely pathogenic for SKIN/HAIR/EYE PIGMENTATION 1, BLUE/NONBLUE EYES. Last evaluated: 2024-02-29. Review status: criteria provided, single submitter. Criteria: ACMG Guidelines, 2015. Collection method: clinical testing. Allele origin: unknown.

Literature cited by the submitters: PubMed 16199547 (cited by Labcorp Genetics (formerly Invitae), Labcorp); PubMed 19865097 (cited by Labcorp Genetics (formerly Invitae), Labcorp); PubMed 21541274 (cited by Labcorp Genetics (formerly Invitae), Labcorp).

NM_000275.3(OCA2):c.2245-1G>A

Gene: OCA2 (OCA2 melanosomal transmembrane protein; minus strand). Cytogenetic location: 15q13.1.
Variant type: single nucleotide variant.
Coding change: c.2245-1G>A on transcript NM_000275.3 (MANE Select); the canonical splice acceptor site of the intron before coding-DNA position 2245, G replaced by A.
Molecular consequence: splice acceptor variant.
Genome position (GRCh38, 1-based): chr15:27,851,476, C>T on the plus strand (G>A on the coding strand, the complement: OCA2 is on the minus strand). VCF-style: chr15-27851476-C-T. GRCh37 (hg19) VCF-style: chr15-28096622-C-T.
Other names: c.2173-1G>A (NM_001300984.2).
Identifiers: ClinVar variation 1523144 (VCV001523144.7), dbSNP rs1344047706, ClinGen allele CA391360283.